The following is an entry in ClinVar:

ClinVar aggregate classification (germline): Likely benign. Review status: criteria provided, multiple submitters, no conflicts (2 of 4 stars). 3 submissions from 3 submitters: Likely benign (3). Last evaluated 2025-09-02.

Allele frequency attached by ClinVar (database versions not stated): ExAC 0.00007; gnomAD exomes 0.00007; TOPMed 0.00009; gnomAD 0.00011.
gnomAD v4.1: 121 of 1,613,100 alleles (0.0075%); highest among the groups gnomAD compares: Non-Finnish European, 0.0097%; no homozygotes.

Submissions (3):

Labcorp Genetics (formerly Invitae), Labcorp
Classification: Likely benign. Last evaluated: 2025-09-02. Review status: criteria provided, single submitter. Criteria: Invitae Variant Classification Sherloc (09022015). Collection method: clinical testing. Allele origin: germline.

CeGaT Center for Human Genetics Tuebingen
Classification: Likely benign. Last evaluated: 2024-11-01. Review status: criteria provided, single submitter. Criteria: CeGaT Center For Human Genetics Tuebingen Variant Classification Criteria Version 2. Collection method: clinical testing. Allele origin: germline. Affected: yes. Observed: 4 variant alleles.
Comment: CACNA1G: BP4, BP7

Blueprint Genetics
Classification: Likely benign. Last evaluated: 2024-10-08. Review status: criteria provided, single submitter. Criteria: ACMG Guidelines, 2015. Collection method: clinical testing. Allele origin: germline.

NM_018896.5(CACNA1G):c.3501G>A (p.Glu1167=)

Gene: CACNA1G (calcium voltage-gated channel subunit alpha1 G; plus strand). Cytogenetic location: 17q21.33.
Variant type: single nucleotide variant.
Coding change: c.3501G>A on transcript NM_018896.5 (MANE Select); coding-DNA position 3501, G replaced by A.
Protein change: p.Glu1167=; no amino-acid change (glutamic acid 1167 retained).
Molecular consequence: synonymous variant. On other transcripts: non-coding transcript variant (5).
Genome position (GRCh38, 1-based): chr17:50,599,670, G>A. VCF-style: chr17-50599670-G-A. GRCh37 (hg19) VCF-style: chr17-48677031-G-A.
Other names: c.3501G>A, p.Glu1167= (NM_001256330.2, NM_001256331.2, NM_001256333.2 and 16 more transcripts); c.3432G>A, p.Glu1144= (NM_198396.3, NM_001256332.2, NM_198376.3 and 5 more transcripts).
Identifiers: ClinVar variation 2647914 (VCV002647914.28), dbSNP rs774835933, ClinGen allele CA8652739.